The following is an entry in ClinVar:

NM_005883.3(APC2):c.4949G>A (p.Arg1650His)

Gene: APC2 (APC regulator of WNT signaling pathway 2; plus strand). Cytogenetic location: 19p13.3.
Variant type: single nucleotide variant.
Coding change: c.4949G>A on transcript NM_005883.3 (MANE Select); coding-DNA position 4949, G replaced by A.
Protein change: p.Arg1650His; replaces arginine 1650 with histidine.
Molecular consequence: missense variant.
Genome position (GRCh38, 1-based): chr19:1,468,250, G>A. VCF-style: chr19-1468250-G-A. GRCh37 (hg19) VCF-style: chr19-1468249-G-A.
Other names: c.4946G>A, p.Arg1649His (NM_001351273.1); short protein forms R1649H, R1650H.
Identifiers: ClinVar variation 2388426 (VCV002388426.3), dbSNP rs1282361215, ClinGen allele CA403039047.

ClinVar aggregate classification (germline): Uncertain significance. Review status: criteria provided, multiple submitters, no conflicts (2 of 4 stars). 2 submissions from 2 submitters: Uncertain significance (2). Last evaluated 2023-06-22.

Conditions:
Inborn genetic diseases. Identifiers: MedGen C0950123, MeSH D030342.
Cortical dysplasia, complex, with other brain malformations 10. Identifiers: MedGen C5231458, MONDO:0032866, OMIM 618677.

Allele frequency attached by ClinVar (database versions not stated): gnomAD 0.00001.
gnomAD v4.1: 24 of 1,512,252 alleles (0.0016%); highest among the groups gnomAD compares: South Asian, 0.02%; no homozygotes.

Submissions (2):

Neuberg Centre For Genomic Medicine, NCGM
Classification: Uncertain significance for Cortical dysplasia, complex, with other brain malformations 10. Last evaluated: 2023-06-22. Review status: criteria provided, single submitter. Criteria: ACMG Guidelines, 2015. Collection method: clinical testing. Allele origin: germline. Inheritance: Autosomal recessive inheritance. Affected: yes.
Comment: The missense c.4949G>A(p.Arg1650His) variant in APC2 gene has not been reported previously as a pathogenic variant nor as a benign variant, to our knowledge. The p.Arg1650His variant is present with allele frequency of 0.0009% in gnomAD Exomes. This variant has been submitted to the ClinVar database as Uncertain Significance. Multiple lines of computational evidences (Polyphen - Benign, SIFT - Tolerated and MutationTaster - Disease causing) predict conflicting evidence on protein structure and function for this variant. The reference amino acid at this position on APC2 gene is predicted as conserved by GERP++ and PhyloP across 100 vertebrates. The amino acid Arg at position 1650 is changed to a His changing protein sequence and it might alter its composition and physico-chemical properties. For these reasons, this variant has been classified as a Variant of Uncertain Significance (VUS).

Ambry Genetics
Classification: Uncertain significance for Inborn genetic diseases. Last evaluated: 2022-08-03. Review status: criteria provided, single submitter. Criteria: Ambry Variant Classification Scheme 2023. Collection method: clinical testing. Allele origin: germline.